The following is an entry in ClinVar:

ClinVar aggregate classification (germline): Conflicting classifications of pathogenicity. Review status: criteria provided, conflicting classifications (1 of 4 stars). 3 submissions from 3 submitters: Uncertain significance (2); Likely benign (1). Last evaluated 2024-02-18.

Conditions:
Primary ciliary dyskinesia. Also called: Ciliary dyskinesia. Identifiers: Orphanet 244, MedGen C0008780, MONDO:0016575, HP:0012265.
Primary ciliary dyskinesia 7. Also called: CILIARY DYSKINESIA, PRIMARY, 7, WITH OR WITHOUT SITUS INVERSUS. Identifiers: Orphanet 244, MedGen C2678473, MONDO:0012748, OMIM 611884.

Allele frequency attached by ClinVar (database versions not stated): gnomAD exomes below 0.00001; TOPMed below 0.00001; ExAC 0.00001; gnomAD 0.00001; 1000 Genomes Project 30x 0.00016; 1000 Genomes Project 0.00020.
gnomAD v4.1: 70 of 1,613,790 alleles (0.0043%); highest among the groups gnomAD compares: East Asian, 0.14%; no homozygotes.

Submissions (3):

Labcorp Genetics (formerly Invitae), Labcorp
Classification: Likely benign for Primary ciliary dyskinesia. Last evaluated: 2024-02-18. Review status: criteria provided, single submitter. Criteria: Invitae Variant Classification Sherloc (09022015). Collection method: clinical testing. Allele origin: germline.

Ambry Genetics
Classification: Uncertain significance for Primary ciliary dyskinesia. Last evaluated: 2024-01-12. Review status: criteria provided, single submitter. Criteria: Ambry Variant Classification Scheme 2023. Collection method: clinical testing. Allele origin: germline.
Comment: The p.G3849V variant (also known as c.11546G>T), located in coding exon 71 of the DNAH11 gene, results from a G to T substitution at nucleotide position 11546. The glycine at codon 3849 is replaced by valine, an amino acid with dissimilar properties. This amino acid position is conserved. In addition, this alteration is predicted to be tolerated by in silico analysis. Since supporting evidence is limited at this time, the clinical significance of this alteration remains unclear.

Fulgent Genetics
Classification: Uncertain significance for Primary ciliary dyskinesia 7. Last evaluated: 2022-03-31. Review status: criteria provided, single submitter. Criteria: ACMG Guidelines, 2015. Collection method: clinical testing. Allele origin: unknown.

NM_001277115.2(DNAH11):c.11546G>T (p.Gly3849Val)

Gene: DNAH11 (dynein axonemal heavy chain 11; plus strand). Cytogenetic location: 7p15.3.
Variant type: single nucleotide variant.
Coding change: c.11546G>T on transcript NM_001277115.2 (MANE Select); coding-DNA position 11546, G replaced by T.
Protein change: p.Gly3849Val; replaces glycine 3849 with valine.
Molecular consequence: missense variant.
Genome position (GRCh38, 1-based): chr7:21,866,519, G>T. VCF-style: chr7-21866519-G-T. GRCh37 (hg19) VCF-style: chr7-21906137-G-T.
Other names: short protein forms G3849V.
Identifiers: ClinVar variation 359679 (VCV000359679.10), dbSNP rs145735492, ClinGen allele CA4182793.